The following is an entry in ClinVar:

ClinVar aggregate classification (germline): Uncertain significance. Review status: criteria provided, multiple submitters, no conflicts (2 of 4 stars). 3 submissions from 3 submitters: Uncertain significance (3). Last evaluated 2024-12-31.

Conditions:
FN1-related disorder. Also called: FN1-related condition.
Inborn genetic diseases. Identifiers: MedGen C0950123, MeSH D030342.

Allele frequency attached by ClinVar (database versions not stated): gnomAD exomes below 0.00001; gnomAD 0.00001; TOPMed 0.00002.
gnomAD v4.1: 8 of 1,613,968 alleles (0.0005%); highest among the groups gnomAD compares: African/African-American, 0.0027%; no homozygotes.

Submissions (3):

Ambry Genetics
Classification: Uncertain significance for Inborn genetic diseases. Last evaluated: 2024-12-31. Review status: criteria provided, single submitter. Criteria: Ambry Variant Classification Scheme 2023. Collection method: clinical testing. Allele origin: germline.

PreventionGenetics, part of Exact Sciences
Classification: Uncertain significance for FN1-related condition. Last evaluated: 2023-05-02. Review status: criteria provided, single submitter. Criteria: ACMG Guidelines, 2015. Collection method: clinical testing. Allele origin: germline.
Comment: The FN1 c.6686C>T variant is predicted to result in the amino acid substitution p.Pro2229Leu. To our knowledge, this variant has not been reported in the literature or in a large population database, indicating this variant is rare. At this time, the clinical significance of this variant is uncertain due to the absence of conclusive functional and genetic evidence.

Breakthrough Genomics
Classification: Uncertain significance. Review status: criteria provided, single submitter. Criteria: ACMG Guidelines, 2015. Collection method: not provided. Allele origin: germline. Inheritance: Autosomal dominant inheritance. Affected: yes.

NM_212482.4(FN1):c.6686C>T (p.Pro2229Leu)

Gene: FN1 (fibronectin 1; minus strand). Cytogenetic location: 2q35.
Variant type: single nucleotide variant.
Coding change: c.6686C>T on transcript NM_212482.4 (MANE Select); coding-DNA position 6686, C replaced by T.
Protein change: p.Pro2229Leu; replaces proline 2229 with leucine.
Molecular consequence: missense variant.
Genome position (GRCh38, 1-based): chr2:215,371,937, G>A on the plus strand (C>T on the coding strand, the complement: FN1 is on the minus strand). VCF-style: chr2-215371937-G-A. GRCh37 (hg19) VCF-style: chr2-216236660-G-A.
Other names: c.6593C>T, p.Pro2198Leu (NM_001306129.2); c.6056C>T, p.Pro2019Leu (NM_001306130.2); c.6050C>T, p.Pro2017Leu (NM_001306131.2); c.5975C>T, p.Pro1992Leu (NM_001306132.2); c.6416C>T, p.Pro2139Leu (NM_001365517.2); c.6413C>T, p.Pro2138Leu (NM_001365518.2); c.6341C>T, p.Pro2114Leu (NM_001365519.2); c.6338C>T, p.Pro2113Leu (NM_001365520.2); and 9 more; short protein forms P1928L, P1992L, P2017L, P2018L, P2019L, P2023L, P2048L, P2082L.
Identifiers: ClinVar variation 2632791 (VCV002632791.3), dbSNP rs940702758, ClinGen allele CA64844954.